The following is an entry in ClinVar:

ClinVar aggregate classification (germline): Conflicting classifications of pathogenicity. Review status: criteria provided, conflicting classifications (1 of 4 stars). 4 submissions from 4 submitters: Uncertain significance (3); Likely benign (1). Last evaluated 2025-11-05.

Conditions:
Hereditary cancer-predisposing syndrome. Also called: Hereditary neoplastic syndrome; Tumor predisposition; Neoplastic Syndromes, Hereditary; Hereditary Cancer Syndrome. Identifiers: Orphanet 140162, MedGen C0027672, MeSH D009386, MONDO:0015356.
Hereditary breast ovarian cancer syndrome. Also called: Hereditary breast and ovarian cancer; Hereditary breast and/or ovarian cancer syndrome; Breast and ovarian cancer; BRCA1- and BRCA2-Associated Hereditary Breast and Ovarian Cancer; Hereditary breast and ovarian cancer syndrome; Hereditary breast and ovarian cancer syndrome (HBOC). Identifiers: Orphanet 145, MedGen C0677776, MeSH D061325, MONDO:0003582. Disease mechanism: loss of function.

Allele frequency attached by ClinVar (database versions not stated): ExAC 0.00001.

Submissions (4):

Ambry Genetics
Classification: Uncertain significance for Hereditary cancer-predisposing syndrome. Last evaluated: 2025-11-05. Review status: criteria provided, single submitter. Criteria: Ambry Variant Classification Scheme 2023. Collection method: clinical testing. Allele origin: germline.
Comment: The p.S599C variant (also known as c.1796C>G), located in coding exon 9 of the BRCA2 gene, results from a C to G substitution at nucleotide position 1796. The serine at codon 599 is replaced by cysteine, an amino acid with dissimilar properties. This amino acid position is not well conserved in available vertebrate species. In addition, this alteration is predicted to be tolerated by in silico analysis. Based on the available evidence, the clinical significance of this variant remains unclear.

Labcorp Genetics (formerly Invitae), Labcorp
Classification: Uncertain significance for Hereditary breast ovarian cancer syndrome. Last evaluated: 2023-08-01. Review status: criteria provided, single submitter. Criteria: Invitae Variant Classification Sherloc (09022015). Collection method: clinical testing. Allele origin: germline.
Comment: This sequence change replaces serine, which is neutral and polar, with cysteine, which is neutral and slightly polar, at codon 599 of the BRCA2 protein (p.Ser599Cys). In summary, the available evidence is currently insufficient to determine the role of this variant in disease. Therefore, it has been classified as a Variant of Uncertain Significance. Advanced modeling of protein sequence and biophysical properties (such as structural, functional, and spatial information, amino acid conservation, physicochemical variation, residue mobility, and thermodynamic stability) performed at Invitae indicates that this missense variant is not expected to disrupt BRCA2 protein function. ClinVar contains an entry for this variant (Variation ID: 657304). This variant has not been reported in the literature in individuals affected with BRCA2-related conditions. This variant is not present in population databases (gnomAD no frequency).

University of Washington Department of Laboratory Medicine, University of Washington
Classification: Likely benign for Hereditary cancer-predisposing syndrome. Last evaluated: 2023-03-23. Review status: criteria provided, single submitter. Criteria: Dines et al. (Genet Med. 2020). Collection method: curation. Allele origin: germline.
Comment: Missense variant in a coldspot region where missense variants are very unlikely to be pathogenic (PMID:31911673).

BRCA2 exon 10 coldspot. Reclassification based on statistical prior probability.

Color Diagnostics, LLC DBA Color Health
Classification: Uncertain significance for Hereditary cancer-predisposing syndrome. Last evaluated: 2021-01-05. Review status: criteria provided, single submitter. Criteria: ACMG Guidelines, 2015. Collection method: clinical testing. Allele origin: germline.
Comment: This missense variant replaces serine with cysteine at codon 599 of the BRCA2 protein. Computational prediction suggests that this variant may not impact protein structure and function (internally defined REVEL score threshold <= 0.5, PMID: 27666373). To our knowledge, functional studies have not been reported for this variant. This variant has not been reported in individuals affected with hereditary cancer in the literature. This variant has not been identified in the general population by the Genome Aggregation Database (gnomAD). The available evidence is insufficient to determine the role of this variant in disease conclusively. Therefore, this variant is classified as a Variant of Uncertain Significance.

NM_000059.4(BRCA2):c.1796C>G (p.Ser599Cys)

Gene: BRCA2 (BRCA2 DNA repair associated; plus strand). Cytogenetic location: 13q13.1.
Variant type: single nucleotide variant.
Coding change: c.1796C>G on transcript NM_000059.4 (MANE Select); coding-DNA position 1796, C replaced by G.
Protein change: p.Ser599Cys; replaces serine 599 with cysteine.
Molecular consequence: missense variant.
Genome position (GRCh38, 1-based): chr13:32,333,274, C>G. VCF-style: chr13-32333274-C-G. GRCh37 (hg19) VCF-style: chr13-32907411-C-G.
Other names: short protein forms S599C.
Identifiers: ClinVar variation 657304 (VCV000657304.13), dbSNP rs1046984, ClinGen allele CA6940541.